The following is an entry in ClinVar:

NM_006158.5(NEFL):c.22C>G (p.Pro8Ala)

Gene: NEFL (neurofilament light chain; minus strand). Cytogenetic location: 8p21.2.
Variant type: single nucleotide variant.
Coding change: c.22C>G on transcript NM_006158.5 (MANE Select); coding-DNA position 22, C replaced by G.
Protein change: p.Pro8Ala; replaces proline 8 with alanine.
Molecular consequence: missense variant.
Genome position (GRCh38, 1-based): chr8:24,956,494, G>C on the plus strand (C>G on the coding strand, the complement: NEFL is on the minus strand). VCF-style: chr8-24956494-G-C. GRCh37 (hg19) VCF-style: chr8-24814008-G-C.
Other names: short protein forms P8A.
Identifiers: ClinVar variation 1473249 (VCV001473249.8), dbSNP rs886043551, ClinGen allele CA370624285.

ClinVar aggregate classification (germline): Uncertain significance (1 of 4 stars; one submission).

Conditions:
Charcot-Marie-Tooth disease type 2E (CMT2E). Also called: CHARCOT-MARIE-TOOTH NEUROPATHY, TYPE 2E; CHARCOT-MARIE-TOOTH DISEASE, AXONAL, TYPE 2E. Identifiers: Orphanet 99939, MedGen C1843225, MONDO:0011894, OMIM 607684.

Submission:

Labcorp Genetics (formerly Invitae), Labcorp
Classification: Uncertain significance for Charcot-Marie-Tooth disease type 2E. Last evaluated: 2022-08-23. Review status: criteria provided, single submitter. Criteria: Invitae Variant Classification Sherloc (09022015). Collection method: clinical testing. Allele origin: germline.
Comment: In summary, the available evidence is currently insufficient to determine the role of this variant in disease. Therefore, it has been classified as a Variant of Uncertain Significance. This variant disrupts the p.Pro8 amino acid residue in NEFL. Other variant(s) that disrupt this residue have been determined to be pathogenic (PMID: 12566280, 17620486, 19158810, 22206013, 28501821). This suggests that this residue is clinically significant, and that variants that disrupt this residue are likely to be disease-causing. ClinVar contains an entry for this variant (Variation ID: 1473249). This variant has not been reported in the literature in individuals affected with NEFL-related conditions. This variant is not present in population databases (gnomAD no frequency). This sequence change replaces proline, which is neutral and non-polar, with alanine, which is neutral and non-polar, at codon 8 of the NEFL protein (p.Pro8Ala).

Literature cited by the submitters: PubMed 12566280; PubMed 17620486; PubMed 19158810; PubMed 22206013; PubMed 28501821.